The following is an entry in ClinVar:

ClinVar aggregate classification (germline): Likely benign (0 of 4 stars; one submission).

Conditions:
PLXNA3-related disorder. Also called: PLXNA3-related condition.

Submission:

PreventionGenetics, part of Exact Sciences
Classification: Likely benign for PLXNA3-related condition. Last evaluated: 2022-02-15. Review status: no assertion criteria provided. Collection method: clinical testing. Allele origin: germline.
Comment: This variant is classified as likely benign based on ACMG/AMP sequence variant interpretation guidelines (Richards et al. 2015 PMID: 25741868, with internal and published modifications).

NM_017514.5(PLXNA3):c.4533G>A (p.Leu1511=)

Gene: PLXNA3 (plexin A3; plus strand). Cytogenetic location: Xq28.
Variant type: single nucleotide variant.
Coding change: c.4533G>A on transcript NM_017514.5 (MANE Select); coding-DNA position 4533, G replaced by A.
Protein change: p.Leu1511=; no amino-acid change (leucine 1511 retained).
Molecular consequence: synonymous variant.
Genome position (GRCh38, 1-based): chrX:154,469,154, G>A. VCF-style: chrX-154469154-G-A. GRCh37 (hg19) VCF-style: chrX-153697497-G-A.
Identifiers: ClinVar variation 3355025 (VCV003355025.1).